The following is an entry in ClinVar:

NM_014141.6(CNTNAP2):c.3262C>T (p.Arg1088Ter)

Gene: CNTNAP2 (contactin associated protein 2; plus strand). Cytogenetic location: 7q36.1.
Variant type: single nucleotide variant.
Coding change: c.3262C>T on transcript NM_014141.6 (MANE Select); coding-DNA position 3262, C replaced by T.
Protein change: p.Arg1088Ter; replaces arginine 1088 with a stop codon.
Molecular consequence: nonsense.
Genome position (GRCh38, 1-based): chr7:148,229,660, C>T. VCF-style: chr7-148229660-C-T. GRCh37 (hg19) VCF-style: chr7-147926752-C-T.
Other names: short protein forms R1088*.
Identifiers: ClinVar variation 845872 (VCV000845872.25), dbSNP rs766777011, ClinGen allele CA4546598.

ClinVar aggregate classification (germline): Pathogenic/Likely pathogenic. Review status: criteria provided, multiple submitters, no conflicts (2 of 4 stars). 7 submissions from 7 submitters: Pathogenic (5); Likely pathogenic (2). Last evaluated 2025-12-04.

Conditions:
Cortical dysplasia-focal epilepsy syndrome (PTHSL1). Also called: Pitt-Hopkins-like syndrome 1. Identifiers: Orphanet 163681, Orphanet 221150, MedGen C2750246, MONDO:0012400, OMIM 610042.

Allele frequency attached by ClinVar (database versions not stated): TOPMed 0.00001.
gnomAD v4.1: 6 of 1,613,950 alleles (0.00037%); highest among the groups gnomAD compares: African/African-American, 0.0027%; no homozygotes.

Submissions (7):

Dasa
Classification: Pathogenic. Last evaluated: 2025-12-04. Review status: criteria provided, single submitter. Criteria: DASA Assertion Criteria. Collection method: clinical testing. Allele origin: germline.
Comment: NM_014141.6(CNTNAP2):c.3262C>T (p.Arg1088*) introduces a premature termination codon predicted to result in loss of normal protein function. Loss-of-function is an established mechanism of disease for this gene. This variant has been observed in affected individuals with related phenotype in a genotype context consistent with recessive disease (PMID: 19896112; PMID: 21827697). This variant has been recurrently observed in individuals with related phenotype (PMID: 19896112; PMID: 21827697). The variant is present at low frequency in population datasets. Based on the available data, this variant is classified as pathogenic.

Women's Health and Genetics/Laboratory Corporation of America, LabCorp
Classification: Pathogenic for Cortical dysplasia-focal epilepsy syndrome. Last evaluated: 2025-01-24. Review status: criteria provided, single submitter. Criteria: LabCorp Variant Classification Summary - May 2015. Collection method: clinical testing. Allele origin: germline.
Comment: Variant summary: CNTNAP2 c.3262C>T (p.Arg1088X) results in a premature termination codon, predicted to cause absence of the protein due to nonsense mediated decay, which is a commonly known mechanism for disease. The variant allele was found at a frequency of 4e-06 in 251226 control chromosomes. c.3262C>T has been reported in the literature at a homozygous state in at-least two individuals affected with neurodevelopmental disorders with epilepsy (example, Shafique_2023). These data indicate that the variant is likely to be associated with disease. To our knowledge, no experimental evidence demonstrating an impact on protein function has been reported. The following publication has been ascertained in the context of this evaluation (PMID: 37393059). ClinVar contains an entry for this variant (Variation ID: 845872). Based on the evidence outlined above, the variant was classified as pathogenic.

Labcorp Genetics (formerly Invitae), Labcorp
Classification: Pathogenic for Cortical dysplasia-focal epilepsy syndrome. Last evaluated: 2024-12-30. Review status: criteria provided, single submitter. Criteria: Invitae Variant Classification Sherloc (09022015). Collection method: clinical testing. Allele origin: germline.
Comment: This sequence change creates a premature translational stop signal (p.Arg1088*) in the CNTNAP2 gene. It is expected to result in an absent or disrupted protein product. Loss-of-function variants in CNTNAP2 are known to be pathogenic (PMID: 19896112, 21827697, 25045150, 26843181, 27439707). This variant is present in population databases (rs766777011, gnomAD 0.007%). This variant has not been reported in the literature in individuals affected with CNTNAP2-related conditions. ClinVar contains an entry for this variant (Variation ID: 845872). For these reasons, this variant has been classified as Pathogenic.

3billion
Classification: Pathogenic for Cortical dysplasia-focal epilepsy syndrome. Last evaluated: 2023-12-18. Review status: criteria provided, single submitter. Criteria: ACMG Guidelines, 2015. Collection method: clinical testing. Allele origin: germline. Affected: yes.
Comment: The variant is observed at an extremely low frequency in the gnomAD v2.1.1 dataset (total allele frequency: <0.001%). Predicted Consequence/Location: Stop-gained (nonsense): predicted to result in a loss or disruption of normal protein function through nonsense-mediated decay (NMD) or protein truncation. Multiple pathogenic variants are reported downstream of the variant. The variant has been reported at least twice as pathogenic with clinical assertions and evidence for the classification (ClinVar ID: VCV000845872 /3billion dataset). Therefore, this variant is classified as Pathogenic according to the recommendation of ACMG/AMP guideline.

St. Anna Children's Cancer Research Institute (CCRI)
Classification: Likely pathogenic for Cortical dysplasia-focal epilepsy syndrome. Last evaluated: 2023-02-08. Review status: criteria provided, single submitter. Criteria: ACMG Guidelines, 2015. Collection method: research. Allele origin: biparental. Inheritance: Autosomal recessive inheritance. Affected: yes.
Comment: ACMG classification of pathogenicity: PVS1, PM2, PM3, PP1. Three patients with the same variant.

Greenwood Genetic Center Diagnostic Laboratories, Greenwood Genetic Center
Classification: Likely pathogenic. Last evaluated: 2020-11-02. Review status: criteria provided, single submitter. Criteria: ACMG Guidelines, 2015. Collection method: clinical testing. Allele origin: germline. Affected: yes.
Comment: PVS1, PM2

Revvity Omics, Revvity
Classification: Pathogenic for Cortical dysplasia-focal epilepsy syndrome. Last evaluated: 2020-03-31. Review status: criteria provided, single submitter. Criteria: ACMG Guidelines, 2015. Collection method: clinical testing. Allele origin: germline.

Literature cited by the submitters: PubMed 19896112 (cited by Dasa and Labcorp Genetics (formerly Invitae), Labcorp); PubMed 21827697 (cited by Dasa and Labcorp Genetics (formerly Invitae), Labcorp); PubMed 37393059 (cited by Women's Health and Genetics/Laboratory Corporation of America, LabCorp); PubMed 25045150 (cited by Labcorp Genetics (formerly Invitae), Labcorp); PubMed 26843181 (cited by Labcorp Genetics (formerly Invitae), Labcorp); PubMed 27439707 (cited by Labcorp Genetics (formerly Invitae), Labcorp).